The following is an entry in ClinVar:

ClinVar aggregate classification (germline): Uncertain significance (1 of 4 stars; one submission).

Allele frequency attached by ClinVar (database versions not stated): ExAC 0.00001; gnomAD exomes 0.00001.
gnomAD v4.1: 13 of 1,613,966 alleles (0.00081%); highest among the groups gnomAD compares: East Asian, 0.0022%; no homozygotes.

Submission:

GeneDx
Classification: Uncertain significance. Last evaluated: 2024-02-29. Review status: criteria provided, single submitter. Criteria: GeneDx Variant Classification Process June 2021. Collection method: clinical testing. Allele origin: germline. Affected: yes.
Comment: In silico analysis supports that this missense variant has a deleterious effect on protein structure/function; Has not been previously published as pathogenic or benign to our knowledge

NM_182641.4(BPTF):c.8591C>T (p.Thr2864Met)

Gene: BPTF (bromodomain PHD finger transcription factor; plus strand). Cytogenetic location: 17q24.2.
Variant type: single nucleotide variant.
Coding change: c.8591C>T on transcript NM_182641.4 (MANE Select); coding-DNA position 8591, C replaced by T.
Protein change: p.Thr2864Met; replaces threonine 2864 with methionine.
Molecular consequence: missense variant.
Genome position (GRCh38, 1-based): chr17:67,975,823, C>T. VCF-style: chr17-67975823-C-T. GRCh37 (hg19) VCF-style: chr17-65971939-C-T.
Other names: c.8540C>T, p.Thr2847Met (NM_004459.7); short protein forms T2847M, T2864M.
Identifiers: ClinVar variation 2442438 (VCV002442438.2), dbSNP rs782391484, ClinGen allele CA8726623.